The following is an entry in ClinVar:

NM_138982.4(MAPK10):c.731-2A>G

Gene: MAPK10 (mitogen-activated protein kinase 10; minus strand). Cytogenetic location: 4q21.3.
Variant type: single nucleotide variant.
Coding change: c.731-2A>G on transcript NM_138982.4 (MANE Select); the canonical splice acceptor site of the intron before coding-DNA position 731, A replaced by G.
Molecular consequence: splice acceptor variant. On other transcripts: intron variant (3).
Genome position (GRCh38, 1-based): chr4:86,098,597, T>C on the plus strand (A>G on the coding strand, the complement: MAPK10 is on the minus strand). VCF-style: chr4-86098597-T-C. GRCh37 (hg19) VCF-style: chr4-87019750-T-C.
Other names: c.731-2A>G (NM_002753.6, NM_001318069.2); c.617-2A>G (NM_001351624.2, NM_001351625.3, NM_138980.4); c.616+2455A>G (NM_001363657.3); c.295+2455A>G (NM_001318068.1); c.730+2455A>G (NM_001318067.1).
Identifiers: ClinVar variation 3357265 (VCV003357265.1).

ClinVar aggregate classification (germline): Uncertain significance (0 of 4 stars; one submission).

Conditions:
MAPK10-related disorder. Also called: MAPK10-related condition.

Submission:

PreventionGenetics, part of Exact Sciences
Classification: Uncertain significance for MAPK10-related condition. Last evaluated: 2024-05-17. Review status: no assertion criteria provided. Collection method: clinical testing. Allele origin: germline.
Comment: The MAPK10 c.731-2A>G variant is predicted to disrupt the AG splice acceptor site and interfere with normal splicing. To our knowledge, this variant has not been reported in the literature or in a large population database, indicating this variant is rare. At this time, the clinical significance of this variant is uncertain due to the absence of conclusive functional and genetic evidence.